The following is an entry in ClinVar:

NM_004821.3(HAND1):c.72C>G (p.His24Gln)

Gene: HAND1 (heart and neural crest derivatives expressed 1; minus strand). Cytogenetic location: 5q33.2.
Variant type: single nucleotide variant.
Coding change: c.72C>G on transcript NM_004821.3 (MANE Select); coding-DNA position 72, C replaced by G.
Protein change: p.His24Gln; replaces histidine 24 with glutamine.
Molecular consequence: missense variant.
Genome position (GRCh38, 1-based): chr5:154,477,937, G>C on the plus strand (C>G on the coding strand, the complement: HAND1 is on the minus strand). VCF-style: chr5-154477937-G-C. GRCh37 (hg19) VCF-style: chr5-153857497-G-C.
Other names: short protein forms H24Q.
Identifiers: ClinVar variation 2821714 (VCV002821714.3), dbSNP rs2532478477, ClinGen allele CA361923851.

ClinVar aggregate classification (germline): Uncertain significance (1 of 4 stars; one submission).

Conditions:
Hypoplastic left heart syndrome. Also called: Hypoplastic left heart; Hypoplastic left ventricle. Identifiers: Orphanet 2248, MedGen C0152101, MONDO:0004933, HP:0004383.

Submission:

Labcorp Genetics (formerly Invitae), Labcorp
Classification: Uncertain significance for Hypoplastic left heart syndrome. Last evaluated: 2023-01-17. Review status: criteria provided, single submitter. Criteria: Invitae Variant Classification Sherloc (09022015). Collection method: clinical testing. Allele origin: germline.
Comment: This variant is not present in population databases (gnomAD no frequency). In summary, the available evidence is currently insufficient to determine the role of this variant in disease. Therefore, it has been classified as a Variant of Uncertain Significance. Algorithms developed to predict the effect of missense changes on protein structure and function are either unavailable or do not agree on the potential impact of this missense change (SIFT: "Tolerated"; PolyPhen-2: "Possibly Damaging"; Align-GVGD: "Class C0"). This variant has not been reported in the literature in individuals affected with HAND1-related conditions. This sequence change replaces histidine, which is basic and polar, with glutamine, which is neutral and polar, at codon 24 of the HAND1 protein (p.His24Gln).